The following is an entry in ClinVar:

ClinVar aggregate classification (germline): Uncertain significance. Review status: criteria provided, multiple submitters, no conflicts (2 of 4 stars). 2 submissions from 2 submitters: Uncertain significance (2). Last evaluated 2025-11-12.

Conditions:
Inborn genetic diseases. Identifiers: MedGen C0950123, MeSH D030342.
Baller-Gerold syndrome (BGS). Also called: CRANIOSYNOSTOSIS WITH RADIAL DEFECTS. Identifiers: Orphanet 1225, MedGen C0265308, MONDO:0009039, OMIM 218600.

Submissions (2):

Ambry Genetics
Classification: Uncertain significance for Inborn genetic diseases. Last evaluated: 2025-11-12. Review status: criteria provided, single submitter. Criteria: Ambry Variant Classification Scheme 2023. Collection method: clinical testing. Allele origin: germline.
Comment: The p.R318T variant (also known as c.953G>C), located in coding exon 5 of the RECQL4 gene, results from a G to C substitution at nucleotide position 953. The arginine at codon 318 is replaced by threonine, an amino acid with similar properties. This amino acid position is conserved. In addition, the in silico prediction for this alteration is inconclusive. Based on the available evidence, the clinical significance of this variant remains unclear.

Labcorp Genetics (formerly Invitae), Labcorp
Classification: Uncertain significance for Baller-Gerold syndrome. Last evaluated: 2024-08-03. Review status: criteria provided, single submitter. Criteria: Invitae Variant Classification Sherloc (09022015). Collection method: clinical testing. Allele origin: germline.
Comment: This sequence change replaces arginine, which is basic and polar, with threonine, which is neutral and polar, at codon 318 of the RECQL4 protein (p.Arg318Thr). This variant is not present in population databases (gnomAD no frequency). This variant has not been reported in the literature in individuals affected with RECQL4-related conditions. ClinVar contains an entry for this variant (Variation ID: 952940). Experimental studies and prediction algorithms are not available or were not evaluated, and the functional significance of this variant is currently unknown. In summary, the available evidence is currently insufficient to determine the role of this variant in disease. Therefore, it has been classified as a Variant of Uncertain Significance.

NM_004260.4(RECQL4):c.953G>C (p.Arg318Thr)

Gene: RECQL4 (RecQ like helicase 4; minus strand). Cytogenetic location: 8q24.3.
Variant type: single nucleotide variant.
Coding change: c.953G>C on transcript NM_004260.4 (MANE Select); coding-DNA position 953, G replaced by C.
Protein change: p.Arg318Thr; replaces arginine 318 with threonine.
Molecular consequence: missense variant.
Genome position (GRCh38, 1-based): chr8:144,516,166, C>G on the plus strand (G>C on the coding strand, the complement: RECQL4 is on the minus strand). VCF-style: chr8-144516166-C-G. GRCh37 (hg19) VCF-style: chr8-145741550-C-G.
Other names: short protein forms R318T.
Identifiers: ClinVar variation 952940 (VCV000952940.7), dbSNP rs1814927713, ClinGen allele CA372688564.